The following is an entry in ClinVar:

NM_001378615.1(CC2D2A):c.1547T>C (p.Met516Thr)

Genes: FBXL5 (F-box and leucine rich repeat protein 5; minus strand), CC2D2A (coiled-coil and C2 domain containing 2A; plus strand). Cytogenetic location: 4p15.32.
Variant type: single nucleotide variant.
Coding change: c.1547T>C on transcript NM_001378615.1 (MANE Select); coding-DNA position 1547, T replaced by C.
Protein change: p.Met516Thr; replaces methionine 516 with threonine.
Molecular consequence: missense variant.
Genome position (GRCh38, 1-based): chr4:15,533,273, T>C. VCF-style: chr4-15533273-T-C. GRCh37 (hg19) VCF-style: chr4-15534896-T-C.
Other names: c.1547T>C, p.Met516Thr (NM_001080522.2); c.1400T>C, p.Met467Thr (NM_001378617.1); short protein forms M467T, M516T.
Identifiers: ClinVar variation 2105612 (VCV002105612.4), dbSNP rs2474965471, ClinGen allele CA356411009.
Genomic context (GRCh38, chr4:15,533,273, plus strand): 5'-ATGCTGAACAAGAAAAAGATAGAACATTGCTTAAGACTATCATAAAAGTTTGGAAAGAGA[T>C]GAAATCCCTTCGAGAGTTCCAGAGATTTACAAATACTCCCTTGAAACTTGTTTTGAGAAA-3'
Protein context (NP_001365544.1, residues 506-526): LKTIIKVWKE[Met516Thr]KSLREFQRFT

ClinVar aggregate classification (germline): Uncertain significance (1 of 4 stars; one submission).

Conditions:
Joubert syndrome. Also called: JOUBERT-BOLTSHAUSER SYNDROME; Familial aplasia of the vermis. Identifiers: Orphanet 475, MedGen C5979921, MONDO:0018772.
Meckel-Gruber syndrome. Also called: DYSENCEPHALIA SPLANCHNOCYSTICA; GRUBER SYNDROME; Dysencephalia splachnocystica. Identifiers: Orphanet 564, MedGen C0265215, MONDO:0018921.

Submission:

Labcorp Genetics (formerly Invitae), Labcorp
Classification: Uncertain significance for Joubert syndrome; Meckel-Gruber syndrome. Last evaluated: 2022-06-10. Review status: criteria provided, single submitter. Criteria: Invitae Variant Classification Sherloc (09022015). Collection method: clinical testing. Allele origin: germline.
Comment: In summary, the available evidence is currently insufficient to determine the role of this variant in disease. Therefore, it has been classified as a Variant of Uncertain Significance. Advanced modeling of protein sequence and biophysical properties (such as structural, functional, and spatial information, amino acid conservation, physicochemical variation, residue mobility, and thermodynamic stability) performed at Invitae indicates that this missense variant is not expected to disrupt CC2D2A protein function. This variant has not been reported in the literature in individuals affected with CC2D2A-related conditions. This variant is not present in population databases (gnomAD no frequency). This sequence change replaces methionine, which is neutral and non-polar, with threonine, which is neutral and polar, at codon 516 of the CC2D2A protein (p.Met516Thr).